The following is an entry in ClinVar:

NM_001194.4(HCN2):c.162C>T (p.His54=)

Gene: HCN2 (hyperpolarization activated cyclic nucleotide gated potassium and sodium channel 2; plus strand). Cytogenetic location: 19p13.3.
Variant type: single nucleotide variant.
Coding change: c.162C>T on transcript NM_001194.4 (MANE Select); coding-DNA position 162, C replaced by T.
Protein change: p.His54=; no amino-acid change (histidine 54 retained).
Molecular consequence: synonymous variant.
Genome position (GRCh38, 1-based): chr19:590,107, C>T. VCF-style: chr19-590107-C-T. GRCh37 (hg19) VCF-style: chr19-590107-C-T.
Identifiers: ClinVar variation 5039313 (VCV005039313.1).

ClinVar aggregate classification (germline): Likely benign (1 of 4 stars; one submission).

gnomAD v4.1: 57 of 825,604 alleles (0.0069%); highest among the groups gnomAD compares: Admixed American, 0.026%; no homozygotes.

Submission:

CeGaT Center for Human Genetics Tuebingen
Classification: Likely benign. Last evaluated: 2026-07-01. Review status: criteria provided, single submitter. Criteria: CeGaT Center For Human Genetics Tuebingen Variant Classification Criteria Version 2. Collection method: clinical testing. Allele origin: germline. Affected: yes. Observed: 1 variant allele.
Comment: HCN2: BP4